The following is an entry in ClinVar:

ClinVar aggregate classification (germline): Likely benign. Review status: criteria provided, multiple submitters, no conflicts (2 of 4 stars). 2 submissions from 2 submitters: Likely benign (2). Last evaluated 2025-05-07.

Conditions:
ABCC6-related disorder. Also called: ABCC6-related condition.

Allele frequency attached by ClinVar (database versions not stated): gnomAD 0.00001; TOPMed 0.00002; ExAC 0.00004.
gnomAD v4.1: 15 of 1,613,862 alleles (0.00093%); highest among the groups gnomAD compares: Non-Finnish European, 0.0013%; no homozygotes.

Submissions (2):

PreventionGenetics, part of Exact Sciences
Classification: Likely benign for ABCC6-related condition. Last evaluated: 2025-05-07. Review status: criteria provided, single submitter. Criteria: ACMG Guidelines, 2015. Collection method: clinical testing. Allele origin: germline.
Comment: This variant is classified as likely benign based on ACMG/AMP sequence variant interpretation guidelines (Richards et al. 2015 PMID: 25741868, with internal and published modifications).

Labcorp Genetics (formerly Invitae), Labcorp
Classification: Likely benign. Last evaluated: 2025-03-10. Review status: criteria provided, single submitter. Criteria: Invitae Variant Classification Sherloc (09022015). Collection method: clinical testing. Allele origin: germline.

NM_001171.6(ABCC6):c.1647G>C (p.Val549=)

Gene: ABCC6 (ATP binding cassette subfamily C member 6; minus strand). Cytogenetic location: 16p13.11.
Variant type: single nucleotide variant.
Coding change: c.1647G>C on transcript NM_001171.6 (MANE Select); coding-DNA position 1647, G replaced by C.
Protein change: p.Val549=; no amino-acid change (valine 549 retained).
Molecular consequence: synonymous variant. On other transcripts: non-coding transcript variant (1).
Genome position (GRCh38, 1-based): chr16:16,188,963, C>G on the plus strand (G>C on the coding strand, the complement: ABCC6 is on the minus strand). VCF-style: chr16-16188963-C-G. GRCh37 (hg19) VCF-style: chr16-16282820-C-G.
Other names: c.1305G>C, p.Val435= (NM_001351800.1); c.1647G>C (NM_001171.5).
Identifiers: ClinVar variation 2174542 (VCV002174542.5), dbSNP rs756992618, ClinGen allele CA7926209.